The following is an entry in ClinVar:

NM_005343.4(HRAS):c.451-341G>A

Genes: HRAS (HRas proto-oncogene, GTPase; minus strand), LRRC56 (leucine rich repeat containing 56; plus strand). Cytogenetic location: 11p15.5.
Variant type: single nucleotide variant.
Coding change: c.451-341G>A on transcript NM_005343.4 (MANE Select); 341 bases into the intron before coding-DNA position 451, G replaced by A.
Molecular consequence: intron variant.
Genome position (GRCh38, 1-based): chr11:533,096, C>T on the plus strand (G>A on the coding strand, the complement: HRAS is on the minus strand). VCF-style: chr11-533096-C-T. GRCh37 (hg19) VCF-style: chr11-533096-C-T.
Other names: c.451-341G>A (NM_001130442.3); c.213+181G>A (NM_001318054.2); c.*19+181G>A (NM_176795.5).
Identifiers: ClinVar variation 561445 (VCV000561445.1), dbSNP rs45489193, ClinGen allele CA216882260.

ClinVar aggregate classification (germline): Likely benign (1 of 4 stars; one submission).

Allele frequency attached by ClinVar (database versions not stated): gnomAD 0.00878 and 0.00945; 1000 Genomes Project 0.00879; 1000 Genomes Project 30x 0.00968; TOPMed 0.00992.
gnomAD v4.1: 1,326 of 152,338 alleles (0.87%); highest among the groups gnomAD compares: African/African-American, 3%; 27 homozygotes.

Submission:

GeneDx
Classification: Likely benign. Last evaluated: 2018-06-14. Review status: criteria provided, single submitter. Criteria: GeneDx Variant Classification (06012015). Collection method: clinical testing. Allele origin: germline. Affected: yes.
Comment: This variant is considered likely benign or benign based on one or more of the following criteria: it is a conservative change, it occurs at a poorly conserved position in the protein, it is predicted to be benign by multiple in silico algorithms, and/or has population frequency not consistent with disease.